The following is an entry in ClinVar:

NM_004612.4(TGFBR1):c.389T>C (p.Ile130Thr)

Gene: TGFBR1 (transforming growth factor beta receptor 1; plus strand). Cytogenetic location: 9q22.33.
Variant type: single nucleotide variant.
Coding change: c.389T>C on transcript NM_004612.4 (MANE Select); coding-DNA position 389, T replaced by C.
Protein change: p.Ile130Thr; replaces isoleucine 130 with threonine.
Molecular consequence: missense variant. On other transcripts: non-coding transcript variant (4), intron variant (3).
Genome position (GRCh38, 1-based): chr9:99,132,554, T>C. VCF-style: chr9-99132554-T-C. GRCh37 (hg19) VCF-style: chr9-101894836-T-C.
Other names: c.143T>C, p.Ile48Thr (NM_001407436.1); c.343+3454T>C (NM_001130916.3); c.98-5305T>C (NM_001407438.1); c.98-9982T>C (NM_001407437.1); c.401T>C, p.Ile134Thr (NM_001306210.2, NM_001407416.1); c.389T>C, p.Ile130Thr (NM_001407417.1, NM_001407435.1); c.194T>C, p.Ile65Thr (NM_001407418.1, NM_001407419.1, NM_001407420.1 and 1 more transcripts); c.182T>C, p.Ile61Thr (NM_001407423.1, NM_001407424.1, NM_001407425.1 and 8 more transcripts); short protein forms I130T, I134T, I48T, I61T, I65T.
Identifiers: ClinVar variation 4527622 (VCV004527622.1).

ClinVar aggregate classification (germline): Uncertain significance (1 of 4 stars; one submission).

Submission:

GeneDx
Classification: Uncertain significance. Last evaluated: 2025-04-30. Review status: criteria provided, single submitter. Criteria: GeneDx Variant Classification Process June 2021. Collection method: clinical testing. Allele origin: germline. Affected: yes.
Comment: Not observed at significant frequency in large population cohorts (gnomAD); In silico analysis supports that this missense variant has a deleterious effect on protein structure/function; Has not been previously published as pathogenic or benign to our knowledge